The following is an entry in ClinVar:

NM_001042492.3(NF1):c.4859G>A (p.Gly1620Asp)

Gene: NF1 (neurofibromin 1; plus strand). Cytogenetic location: 17q11.2.
Variant type: single nucleotide variant.
Coding change: c.4859G>A on transcript NM_001042492.3 (MANE Select); coding-DNA position 4859, G replaced by A.
Protein change: p.Gly1620Asp; replaces glycine 1620 with aspartic acid.
Molecular consequence: missense variant.
Genome position (GRCh38, 1-based): chr17:31,325,843, G>A. VCF-style: chr17-31325843-G-A. GRCh37 (hg19) VCF-style: chr17-29652861-G-A.
Other names: c.4796G>A, p.Gly1599Asp (NM_000267.4); short protein forms G1599D, G1620D.
Identifiers: ClinVar variation 142072 (VCV000142072.15), dbSNP rs587782213, ClinGen allele CA167324.

ClinVar aggregate classification (germline): Uncertain significance. Review status: criteria provided, multiple submitters, no conflicts (2 of 4 stars). 6 submissions from 5 submitters: Uncertain significance (6). Last evaluated 2024-07-25.

Conditions:
Hereditary cancer-predisposing syndrome. Also called: Neoplastic Syndromes, Hereditary; Hereditary Cancer Syndrome; Hereditary neoplastic syndrome; Tumor predisposition. Identifiers: Orphanet 140162, MedGen C0027672, MeSH D009386, MONDO:0015356.
Cardiovascular phenotype. Identifiers: MedGen CN230736.
Juvenile myelomonocytic leukemia (JMML). Also called: LEUKEMIA, JUVENILE MYELOMONOCYTIC, SOMATIC. Identifiers: Orphanet 86834, MedGen C0349639, MONDO:0011908, OMIM 607785, HP:0012209.
Neurofibromatosis, type 1 (NF1). Also called: VON RECKLINGHAUSEN DISEASE; Neurofibromatosis, type I; NEUROFIBROMATOSIS, TYPE I, SOMATIC; Peripheral type neurofibromatosis. Identifiers: Orphanet 636, MedGen C0027831, MONDO:0018975, OMIM 162200. Disease mechanism: loss of function.

Allele frequency attached by ClinVar (database versions not stated): gnomAD 0.00001; TOPMed 0.00001.
gnomAD v4.1: 1 of 1,613,764 alleles (0.000062%); highest among the groups gnomAD compares: African/African-American, 0.0013%; no homozygotes.

Submissions (6):

GeneDx
Classification: Uncertain significance. Last evaluated: 2024-07-25. Review status: criteria provided, single submitter. Criteria: GeneDx Variant Classification Process June 2021. Collection method: clinical testing. Allele origin: germline. Affected: yes.
Comment: Not observed at significant frequency in large population cohorts (gnomAD); In silico analysis supports that this missense variant has a deleterious effect on protein structure/function; Has not been previously published as pathogenic or benign to our knowledge

Labcorp Genetics (formerly Invitae), Labcorp
Classification: Uncertain significance for Neurofibromatosis, type 1. Last evaluated: 2024-03-21. Review status: criteria provided, single submitter. Criteria: Invitae Variant Classification Sherloc (09022015). Collection method: clinical testing. Allele origin: germline.
Comment: This sequence change replaces glycine, which is neutral and non-polar, with aspartic acid, which is acidic and polar, at codon 1599 of the NF1 protein (p.Gly1599Asp). This variant is not present in population databases (gnomAD no frequency). This variant has not been reported in the literature in individuals affected with NF1-related conditions. ClinVar contains an entry for this variant (Variation ID: 142072). Advanced modeling of protein sequence and biophysical properties (such as structural, functional, and spatial information, amino acid conservation, physicochemical variation, residue mobility, and thermodynamic stability) performed at Invitae indicates that this missense variant is expected to disrupt NF1 protein function with a positive predictive value of 95%. In summary, the available evidence is currently insufficient to determine the role of this variant in disease. Therefore, it has been classified as a Variant of Uncertain Significance.

Baylor Genetics
Classification: Uncertain significance for Juvenile myelomonocytic leukemia. Last evaluated: 2023-08-03. Review status: criteria provided, single submitter. Criteria: ACMG Guidelines, 2015. Collection method: clinical testing. Allele origin: unknown.

Genome-Nilou Lab
Classification: Uncertain significance for Neurofibromatosis, type 1. Last evaluated: 2022-03-15. Review status: criteria provided, single submitter. Criteria: ACMG Guidelines, 2015. Collection method: clinical testing. Allele origin: germline. Affected: no.

Ambry Genetics
Classification: Uncertain significance for Cardiovascular phenotype; Hereditary cancer-predisposing syndrome. Last evaluated: 2019-12-16. Review status: criteria provided, single submitter. Criteria: Ambry Variant Classification Scheme 2023. Collection method: clinical testing. Allele origin: germline.

Ambry Genetics
Classification: Uncertain significance for Hereditary cancer-predisposing syndrome. Last evaluated: 2013-11-23. Review status: criteria provided, single submitter. Criteria: Ambry Autosomal Dominant and X-Linked criteria (10/2015). Collection method: clinical testing. Allele origin: germline. Observed: 1 variant allele.
Comment: There is insufficient or conflicting evidence for classification of this alteration.